The following is an entry in ClinVar:

NM_032444.4(SLX4):c.5153+5C>A

Gene: SLX4 (SLX4 structure-specific endonuclease subunit; minus strand). Cytogenetic location: 16p13.3.
Variant type: single nucleotide variant.
Coding change: c.5153+5C>A on transcript NM_032444.4 (MANE Select); 5 bases into the intron after coding-DNA position 5153, C replaced by A.
Molecular consequence: intron variant.
Genome position (GRCh38, 1-based): chr16:3,583,092, G>T on the plus strand (C>A on the coding strand, the complement: SLX4 is on the minus strand). VCF-style: chr16-3583092-G-T. GRCh37 (hg19) VCF-style: chr16-3633093-G-T.
Identifiers: ClinVar variation 2185722 (VCV002185722.4), dbSNP rs1213149015, ClinGen allele CA620447868.
Genomic context (GRCh38, chr16:3,583,092, plus strand): 5'-AACCCTCACGCCCACGGGCCAGAGGATACATGAGGCCACTGACCCCATCGCATCCATCCG[G>T]TTACCTCTGTGAGCTCAAGGAGCTGTCACTGCCATCCACAGAGGTGGCCACGGATTCTTG-3'

ClinVar aggregate classification (germline): Uncertain significance (1 of 4 stars; one submission).

Conditions:
Fanconi anemia (FA). Also called: Fanconi's anemia. Identifiers: Orphanet 84, MedGen C0015625, MeSH D005199, MONDO:0019391.

Allele frequency attached by ClinVar (database versions not stated): TOPMed 0.00001.
gnomAD v4.1: 2 of 1,614,208 alleles (0.00012%); highest among the groups gnomAD compares: African/African-American, 0.0027%; no homozygotes.

Submission:

Labcorp Genetics (formerly Invitae), Labcorp
Classification: Uncertain significance for Fanconi anemia. Last evaluated: 2022-06-08. Review status: criteria provided, single submitter. Criteria: Invitae Variant Classification Sherloc (09022015). Collection method: clinical testing. Allele origin: germline.
Comment: In summary, the available evidence is currently insufficient to determine the role of this variant in disease. Therefore, it has been classified as a Variant of Uncertain Significance. Variants that disrupt the consensus splice site are a relatively common cause of aberrant splicing (PMID: 17576681, 9536098). Algorithms developed to predict the effect of sequence changes on RNA splicing suggest that this variant is not likely to affect RNA splicing. This variant has not been reported in the literature in individuals affected with SLX4-related conditions. This variant is present in population databases (no rsID available, gnomAD 0.007%). This sequence change falls in intron 14 of the SLX4 gene. It does not directly change the encoded amino acid sequence of the SLX4 protein. It affects a nucleotide within the consensus splice site.

Literature cited by the submitters: PubMed 17576681; PubMed 9536098.